The following is an entry in ClinVar:

ClinVar aggregate classification (germline): Uncertain significance. Review status: criteria provided, multiple submitters, no conflicts (2 of 4 stars). 3 submissions from 3 submitters: Uncertain significance (3). Last evaluated 2024-08-11.

Conditions:
Epilepsy, X-linked 1, with variable learning disabilities and behavior disorders. Also called: X-linked epilepsy-learning disabilities-behavior disorders syndrome. Identifiers: Orphanet 85294, MedGen C5774177, MONDO:0010339, OMIM 300491.
Inborn genetic diseases. Identifiers: MedGen C0950123, MeSH D030342.

Allele frequency attached by ClinVar (database versions not stated): gnomAD exomes below 0.00001; TOPMed 0.00004; gnomAD 0.00005.
gnomAD v4.1: 8 of 1,187,325 alleles (0.00067%); highest among the groups gnomAD compares: African/African-American, 0.014%; no homozygotes.

Submissions (3):

Ambry Genetics
Classification: Uncertain significance for Inborn genetic diseases. Last evaluated: 2024-08-11. Review status: criteria provided, single submitter. Criteria: Ambry Variant Classification Scheme 2023. Collection method: clinical testing. Allele origin: germline.

Labcorp Genetics (formerly Invitae), Labcorp
Classification: Uncertain significance for Epilepsy, X-linked 1, with variable learning disabilities and behavior disorders. Last evaluated: 2023-01-25. Review status: criteria provided, single submitter. Criteria: Invitae Variant Classification Sherloc (09022015). Collection method: clinical testing. Allele origin: germline.
Comment: In summary, the available evidence is currently insufficient to determine the role of this variant in disease. Therefore, it has been classified as a Variant of Uncertain Significance. Algorithms developed to predict the effect of missense changes on protein structure and function (SIFT, PolyPhen-2, Align-GVGD) all suggest that this variant is likely to be tolerated. ClinVar contains an entry for this variant (Variation ID: 207471). This variant has not been reported in the literature in individuals affected with SYN1-related conditions. This variant is not present in population databases (gnomAD no frequency). This sequence change replaces serine, which is neutral and polar, with threonine, which is neutral and polar, at codon 449 of the SYN1 protein (p.Ser449Thr).

GeneDx
Classification: Uncertain significance. Last evaluated: 2016-07-12. Review status: criteria provided, single submitter. Criteria: GeneDx Variant Classification (06012015). Collection method: clinical testing. Allele origin: germline. Affected: yes.
Comment: p.Ser449Thr (TCC>ACC): c.1345 T>A in exon 11 of the SYN1 gene (NM_133499.2) The Ser449Thr missense change has not been published as a mutation, nor has it been reported as a benign polymorphism to our knowledge. The NHLBI ESP Exome Variant Project has not identified Ser449Thr in approximately 6,100 individuals of European or African American ethnicity, indicating that it is not a common benign variant in these populations. The amino acid substitution is conservative, as Serine and Threonine are both uncharged, polar amino acids. It alters a poorly conserved position, and missense mutations have not been previously reported in this region of the protein. Multiple in silico models predict Ser449Thr may be benign, although one model suggests it may be damaging to protein structure/function. Therefore, the currently available information suggests that this variant is likely non-pathogenic; however, the possibility that it is a disease-associated mutation cannot be excluded. The variant is found in EPILEPSY panel(s).

NM_006950.3(SYN1):c.1345T>A (p.Ser449Thr)

Gene: SYN1 (synapsin I; minus strand). Cytogenetic location: Xp11.3.
Variant type: single nucleotide variant.
Coding change: c.1345T>A on transcript NM_006950.3 (MANE Select); coding-DNA position 1345, T replaced by A.
Protein change: p.Ser449Thr; replaces serine 449 with threonine.
Molecular consequence: missense variant.
Genome position (GRCh38, 1-based): chrX:47,574,736, A>T on the plus strand (T>A on the coding strand, the complement: SYN1 is on the minus strand). VCF-style: chrX-47574736-A-T. GRCh37 (hg19) VCF-style: chrX-47434135-A-T.
Other names: p.S449T:TCC>ACC; c.1345T>A, p.Ser449Thr (NM_133499.2); short protein forms S449T.
Identifiers: ClinVar variation 207471 (VCV000207471.6), dbSNP rs796053394, ClinGen allele CA318952.